The following is an entry in ClinVar:

NM_004813.4(PEX16):c.149-3C>T

Gene: PEX16 (peroxisomal biogenesis factor 16; minus strand). Cytogenetic location: 11p11.2.
Variant type: single nucleotide variant.
Coding change: c.149-3C>T on transcript NM_004813.4 (MANE Select); 3 bases into the intron before coding-DNA position 149, C replaced by T.
Molecular consequence: intron variant.
Genome position (GRCh38, 1-based): chr11:45,916,306, G>A on the plus strand (C>T on the coding strand, the complement: PEX16 is on the minus strand). VCF-style: chr11-45916306-G-A. GRCh37 (hg19) VCF-style: chr11-45937857-G-A.
Other names: c.149-3C>T (NM_057174.3).
Identifiers: ClinVar variation 2115800 (VCV002115800.4), dbSNP rs2494908948, ClinGen allele CA2580084311.

ClinVar aggregate classification (germline): Uncertain significance (1 of 4 stars; one submission).

Conditions:
Peroxisome biogenesis disorder. Identifiers: Orphanet 79189, MedGen C1832200, MONDO:0019234. Disease mechanism: loss of function.

Submission:

Labcorp Genetics (formerly Invitae), Labcorp
Classification: Uncertain significance for Peroxisome biogenesis disorder. Last evaluated: 2022-03-23. Review status: criteria provided, single submitter. Criteria: Invitae Variant Classification Sherloc (09022015). Collection method: clinical testing. Allele origin: germline.
Comment: In summary, the available evidence is currently insufficient to determine the role of this variant in disease. Therefore, it has been classified as a Variant of Uncertain Significance. Variants that disrupt the consensus splice site are a relatively common cause of aberrant splicing (PMID: 17576681, 9536098). Algorithms developed to predict the effect of sequence changes on RNA splicing suggest that this variant is not likely to affect RNA splicing. This variant has not been reported in the literature in individuals affected with PEX16-related conditions. This variant is not present in population databases (gnomAD no frequency). This sequence change falls in intron 2 of the PEX16 gene. It does not directly change the encoded amino acid sequence of the PEX16 protein. It affects a nucleotide within the consensus splice site.

Literature cited by the submitters: PubMed 17576681; PubMed 9536098.